The following is an entry in ClinVar:

ClinVar aggregate classification (germline): Likely pathogenic (1 of 4 stars; one submission).

Allele frequency attached by ClinVar (database versions not stated): gnomAD exomes 0.00002 and 0.00005; TOPMed 0.00002.
gnomAD v4.1: 63 of 1,487,336 alleles (0.0042%); highest among the groups gnomAD compares: Non-Finnish European, 0.0054%; no homozygotes.

Submission:

GeneDx
Classification: Likely pathogenic. Last evaluated: 2017-02-16. Review status: criteria provided, single submitter. Criteria: GeneDx Variant Classification (06012015). Collection method: clinical testing. Allele origin: germline. Affected: yes.
Comment: The A318T pathogenic variant in the GDF1 gene has been reported in one individual with TGA; however, no further clinical information or familial segregation was provided (Karkera et al., 2007). Adequate data is not available in large population cohorts to assess the frequency of this variant in publicly available databases; however, this variant has not been detected at a significant frequency in presumably healthy individuals tested at GeneDx. The A318T variant is a non-conservative amino acid substitution, which is likely to impact secondary protein structure as these residues differ in polarity, charge, size and/or other properties. Additionally, this substitution occurs at a position that is conserved across species. Furthermore, in silico analysis predicts this variant is probably damaging to the protein structure/function.

NM_001492.6(GDF1):c.952G>A (p.Ala318Thr)

Genes: CERS1 (ceramide synthase 1; minus strand), GDF1 (growth differentiation factor 1; minus strand). Cytogenetic location: 19p13.11.
Variant type: single nucleotide variant.
Coding change: c.952G>A on transcript NM_001492.6 (MANE Select); coding-DNA position 952, G replaced by A.
Protein change: p.Ala318Thr; replaces alanine 318 with threonine.
Molecular consequence: missense variant. On other transcripts: 3 prime UTR variant (2).
Genome position (GRCh38, 1-based): chr19:18,868,764, C>T on the plus strand (G>A on the coding strand, the complement: GDF1 is on the minus strand). VCF-style: chr19-18868764-C-T. GRCh37 (hg19) VCF-style: chr19-18979573-C-T.
Other names: c.*1813G>A (NM_001387440.1); c.*1221G>A (NM_021267.5); c.952G>A, p.Ala318Thr (NM_001387438.1); short protein forms A318T.
Identifiers: ClinVar variation 418233 (VCV000418233.2), dbSNP rs1064793138, ClinGen allele CA16620815.
Genomic context (GRCh38, chr19:18,868,764, plus strand): 5'-CGCAGCAGGGCAGGTCGGCGGCTCCCGGGGCGGCCGCGTGCATGAGCGCGCGCAGCACAG[C>T]GTGGTTGAGCGCCGGCGGCCCCCCGGACCCCGACAGCGCGACGGGCAGCGCGCACTGACC-3'
Protein context (NP_001483.3, residues 308-328): GSGGPPALNH[Ala318Thr]VLRALMHAAA